The following is an entry in ClinVar:

NM_000264.5(PTCH1):c.2329C>G (p.Leu777Val)

Genes: PTCH1 (patched 1; minus strand), LOC100507346 (uncharacterized LOC100507346; plus strand). Cytogenetic location: 9q22.32.
Variant type: single nucleotide variant.
Coding change: c.2329C>G on transcript NM_000264.5 (MANE Select); coding-DNA position 2329, C replaced by G.
Protein change: p.Leu777Val; replaces leucine 777 with valine.
Molecular consequence: missense variant. On other transcripts: non-coding transcript variant (1).
Genome position (GRCh38, 1-based): chr9:95,467,347, G>C on the plus strand (C>G on the coding strand, the complement: PTCH1 is on the minus strand). VCF-style: chr9-95467347-G-C. GRCh37 (hg19) VCF-style: chr9-98229629-G-C.
Other names: c.2131C>G, p.Leu711Val (NM_001083602.3); c.2326C>G, p.Leu776Val (NM_001083603.3); c.1876C>G, p.Leu626Val (NM_001083604.3, NM_001083605.3, NM_001083606.3 and 1 more transcripts); c.2173C>G, p.Leu725Val (NM_001354918.2); short protein forms L626V, L725V, L777V, L711V, L776V.
Identifiers: ClinVar variation 1941592 (VCV001941592.6), dbSNP rs376799601, ClinGen allele CA5138411.

ClinVar aggregate classification (germline): Conflicting classifications of pathogenicity. Review status: criteria provided, conflicting classifications (1 of 4 stars). 2 submissions from 2 submitters: Uncertain significance (1); Likely benign (1). Last evaluated 2026-07-05.

Conditions:
Hereditary cancer-predisposing syndrome. Also called: Hereditary neoplastic syndrome; Neoplastic Syndromes, Hereditary; Tumor predisposition; Hereditary Cancer Syndrome. Identifiers: Orphanet 140162, MedGen C0027672, MeSH D009386, MONDO:0015356.
Gorlin syndrome. Also called: Nevoid Basal Cell Carcinoma Syndrome; Basal cell nevus syndrome. Identifiers: Orphanet 377, MedGen C0004779, MONDO:0007187.

gnomAD v4.1: 1 of 1,614,204 alleles (0.000062%); highest among the groups gnomAD compares: Admixed American, 0.0017%; no homozygotes.

Submissions (2):

Ambry Genetics
Classification: Uncertain significance for Hereditary cancer-predisposing syndrome. Last evaluated: 2026-07-05. Review status: criteria provided, single submitter. Criteria: Ambry Variant Classification Scheme 2023. Collection method: clinical testing. Allele origin: germline.
Comment: The p.L777V variant (also known as c.2329C>G), located in coding exon 15 of the PTCH1 gene, results from a C to G substitution at nucleotide position 2329. The leucine at codon 777 is replaced by valine, an amino acid with highly similar properties. This amino acid position is conserved. In addition, the in silico prediction for this alteration is inconclusive. Based on the available evidence, the clinical significance of this variant remains unclear.

Labcorp Genetics (formerly Invitae), Labcorp
Classification: Likely benign for Gorlin syndrome. Last evaluated: 2025-09-27. Review status: criteria provided, single submitter. Criteria: Invitae Variant Classification Sherloc (09022015). Collection method: clinical testing. Allele origin: germline.